The following is an entry in ClinVar:

NM_015001.3(SPEN):c.83+5G>A

Gene: SPEN (spen family transcriptional repressor; plus strand). Cytogenetic location: 1p36.21.
Variant type: single nucleotide variant.
Coding change: c.83+5G>A on transcript NM_015001.3 (MANE Select); 5 bases into the intron after coding-DNA position 83, G replaced by A.
Molecular consequence: intron variant.
Genome position (GRCh38, 1-based): chr1:15,848,155, G>A. VCF-style: chr1-15848155-G-A. GRCh37 (hg19) VCF-style: chr1-16174650-G-A.
Identifiers: ClinVar variation 3899735 (VCV003899735.1).
Genomic context (GRCh38, chr1:15,848,155, plus strand): 5'-GTGGGCAACTTACCCGAGAACGTGCGGGAAGAGAAGATCATCGAGCATTTCAAACGGTGA[G>A]TGACACGAGGCCCGCGGCCGCGCTCGCTCCTCGGGCGCCGCTTCCCGCCCCGGCCCGTTG-3'

ClinVar aggregate classification (germline): Uncertain significance (1 of 4 stars; one submission).

Submission:

GeneDx
Classification: Uncertain significance. Last evaluated: 2024-11-18. Review status: criteria provided, single submitter. Criteria: GeneDx Variant Classification Process June 2021. Collection method: clinical testing. Allele origin: germline. Affected: yes.
Comment: Not observed at significant frequency in large population cohorts (gnomAD); Has not been previously published as pathogenic or benign to our knowledge; In silico analysis is inconclusive as to whether the variant alters gene splicing. In the absence of RNA/functional studies, the actual effect of this sequence change is unknown.